The following is an entry in ClinVar:

NM_144651.5(PXDNL):c.3352C>G (p.Leu1118Val)

Gene: PXDNL (peroxidasin like; minus strand). Cytogenetic location: 8q11.22.
Variant type: single nucleotide variant.
Coding change: c.3352C>G on transcript NM_144651.5 (MANE Select); coding-DNA position 3352, C replaced by G.
Protein change: p.Leu1118Val; replaces leucine 1118 with valine.
Molecular consequence: missense variant.
Genome position (GRCh38, 1-based): chr8:51,408,272, G>C on the plus strand (C>G on the coding strand, the complement: PXDNL is on the minus strand). VCF-style: chr8-51408272-G-C. GRCh37 (hg19) VCF-style: chr8-52320832-G-C.
Other names: c.3352C>G (NM_144651.4); short protein forms L1118V.
Identifiers: ClinVar variation 2658596 (VCV002658596.25), dbSNP rs145542518, ClinGen allele CA4744831.

ClinVar aggregate classification (germline): Likely benign. Review status: criteria provided, single submitter (1 of 4 stars). 2 submissions from 2 submitters: Likely benign (1). 1 of the submissions does not count toward it. Last evaluated 2022-07-01.

Conditions:
PXDNL-related disorder. Also called: PXDNL-related condition.

Allele frequency attached by ClinVar (database versions not stated): 1000 Genomes Project 0.00200; 1000 Genomes Project 30x 0.00219; ExAC 0.00269; TOPMed 0.00298; gnomAD 0.00299; ESP Exome Variant Server 0.00405.
gnomAD v4.1: 6,448 of 1,614,000 alleles (0.4%); highest among the groups gnomAD compares: Non-Finnish European, 0.47%; 26 homozygotes.

Submissions (2):

CeGaT Center for Human Genetics Tuebingen
Classification: Likely benign. Last evaluated: 2022-07-01. Review status: criteria provided, single submitter. Criteria: CeGaT Center For Human Genetics Tuebingen Variant Classification Criteria Version 2. Collection method: clinical testing. Allele origin: germline. Affected: yes. Observed: 1 variant allele.
Comment: PXDNL: BP4

PreventionGenetics, part of Exact Sciences
Classification: Benign for PXDNL-related condition. Last evaluated: 2019-03-06. Review status: no assertion criteria provided. Collection method: clinical testing. Allele origin: germline. Not counted in ClinVar's aggregate classification.
Comment: This variant is classified as benign based on ACMG/AMP sequence variant interpretation guidelines (Richards et al. 2015 PMID: 25741868, with internal and published modifications).